The following is an entry in ClinVar:

NM_005026.5(PIK3CD):c.494_512del (p.Tyr165fs)

Gene: PIK3CD (phosphatidylinositol-4,5-bisphosphate 3-kinase catalytic subunit delta; plus strand). Cytogenetic location: 1p36.22.
Variant type: Deletion.
Coding change: c.494_512del on transcript NM_005026.5 (MANE Select); coding-DNA positions 494 to 512, 19 bases deleted (ACAGTTTCCCCCTGCAGCT).
Protein change: p.Tyr165fs; shifts the reading frame from tyrosine 165.
Molecular consequence: frameshift variant.
Genome position (GRCh38, 1-based): chr1:9,715,972-9,715,990, ACAGTTTCCCCCTGCAGCT deleted; deleting any 19 consecutive bases within chr1:9,715,971-9,715,990 gives the same sequence; the c. name uses the placement nearest the transcript's 3' end. VCF-style (leftmost placement, unchanged base first): chr1-9715970-GTACAGTTTCCCCCTGCAGC-G. GRCh37 (hg19) VCF-style: chr1-9776028-GTACAGTTTCCCCCTGCAGC-G.
Other names: c.494_512del, p.Tyr165fs (NM_001350234.2, NM_001350235.1); short protein forms Y165fs.
Identifiers: ClinVar variation 2845778 (VCV002845778.3), dbSNP rs2524815453, ClinGen allele CA2739272245.

ClinVar aggregate classification (germline): Pathogenic (1 of 4 stars; one submission).

Conditions:
Immunodeficiency 14 (IMD14A). Also called: p110-DELTA-ACTIVATING MUTATION CAUSING SENESCENT T CELLS, LYMPHADENOPATHY, AND IMMUNODEFICIENCY; IMMUNODEFICIENCY 14A WITH LYMPHOPROLIFERATION, AUTOSOMAL DOMINANT; ACTIVATED PI3K-DELTA SYNDROME 1; Activated PI3K Delta Syndrome Type 1 (APDS1). Identifiers: Orphanet 397596, Orphanet 693661, MedGen C5907821, MONDO:0014222, OMIM 615513.

Submission:

Labcorp Genetics (formerly Invitae), Labcorp
Classification: Pathogenic for Activated PI3K-delta syndrome. Last evaluated: 2025-06-17. Review status: criteria provided, single submitter. Criteria: Invitae Variant Classification Sherloc (09022015). Collection method: clinical testing. Allele origin: germline.
Comment: This sequence change creates a premature translational stop signal (p.Tyr165Trpfs*46) in the PIK3CD gene. It is expected to result in an absent or disrupted protein product. Loss-of-function variants in PIK3CD are known to be pathogenic (PMID: 30040974, 31073077). This variant is not present in population databases (gnomAD no frequency). This variant has not been reported in the literature in individuals affected with PIK3CD-related conditions. ClinVar contains an entry for this variant (Variation ID: 2845778). For these reasons, this variant has been classified as Pathogenic.

Literature cited by the submitters: PubMed 30040974; PubMed 31073077.